The following is an entry in ClinVar:

ClinVar aggregate classification (germline): Uncertain significance (1 of 4 stars; one submission).

Conditions:
Hereditary cancer-predisposing syndrome. Also called: Neoplastic Syndromes, Hereditary; Tumor predisposition; Hereditary neoplastic syndrome; Hereditary Cancer Syndrome. Identifiers: Orphanet 140162, MedGen C0027672, MeSH D009386, MONDO:0015356.

Allele frequency attached by ClinVar (database versions not stated): gnomAD exomes below 0.00001.
gnomAD v4.1: 3 of 1,613,782 alleles (0.00019%); highest among the groups gnomAD compares: East Asian, 0.0022%; no homozygotes.

Submission:

Ambry Genetics
Classification: Uncertain significance for Hereditary cancer-predisposing syndrome. Last evaluated: 2024-02-10. Review status: criteria provided, single submitter. Criteria: Ambry Variant Classification Scheme 2023. Collection method: clinical testing. Allele origin: germline.
Comment: The p.S74P variant (also known as c.220T>C), located in coding exon 1 of the HOXB13 gene, results from a T to C substitution at nucleotide position 220. The serine at codon 74 is replaced by proline, an amino acid with similar properties. This amino acid position is conserved. In addition, this alteration is predicted to be tolerated by in silico analysis. Based on the available evidence, the clinical significance of this alteration remains unclear.

NM_006361.6(HOXB13):c.220T>C (p.Ser74Pro)

Gene: HOXB13 (homeobox B13; minus strand). Cytogenetic location: 17q21.32.
Variant type: single nucleotide variant.
Coding change: c.220T>C on transcript NM_006361.6 (MANE Select); coding-DNA position 220, T replaced by C.
Protein change: p.Ser74Pro; replaces serine 74 with proline.
Molecular consequence: missense variant.
Genome position (GRCh38, 1-based): chr17:48,728,374, A>G on the plus strand (T>C on the coding strand, the complement: HOXB13 is on the minus strand). VCF-style: chr17-48728374-A-G. GRCh37 (hg19) VCF-style: chr17-46805736-A-G.
Other names: short protein forms S74P.
Identifiers: ClinVar variation 3225533 (VCV003225533.1), dbSNP rs1597934748, ClinGen allele CA400107900.